The following is an entry in ClinVar:

ClinVar aggregate classification (germline): Uncertain significance. Review status: criteria provided, multiple submitters, no conflicts (2 of 4 stars). 3 submissions from 3 submitters: Uncertain significance (3). Last evaluated 2024-12-04.

Conditions:
Inborn genetic diseases. Identifiers: MedGen C0950123, MeSH D030342.
Leber congenital amaurosis 3 (LCA3). Also called: SPATA7-Related Retinitis Pigmentosa. Identifiers: MedGen C1858677, MONDO:0011415, OMIM 604232.

Allele frequency attached by ClinVar (database versions not stated): gnomAD exomes 0.00001 and 0.00004; ExAC 0.00006; ESP Exome Variant Server 0.00008; TOPMed 0.00012; gnomAD 0.00013 and 0.00014.

Submissions (3):

Ambry Genetics
Classification: Uncertain significance for Inborn genetic diseases. Last evaluated: 2024-12-04. Review status: criteria provided, single submitter. Criteria: Ambry Variant Classification Scheme 2023. Collection method: clinical testing. Allele origin: germline.

Blueprint Genetics
Classification: Uncertain significance. Last evaluated: 2024-09-04. Review status: criteria provided, single submitter. Criteria: ACMG Guidelines, 2015. Collection method: clinical testing. Allele origin: germline.

Labcorp Genetics (formerly Invitae), Labcorp
Classification: Uncertain significance for Leber congenital amaurosis 3. Last evaluated: 2022-07-19. Review status: criteria provided, single submitter. Criteria: Invitae Variant Classification Sherloc (09022015). Collection method: clinical testing. Allele origin: germline.
Comment: This sequence change replaces tyrosine, which is neutral and polar, with cysteine, which is neutral and slightly polar, at codon 311 of the SPATA7 protein (p.Tyr311Cys). This variant is present in population databases (rs140107720, gnomAD 0.06%). This variant has not been reported in the literature in individuals affected with SPATA7-related conditions. ClinVar contains an entry for this variant (Variation ID: 844840). Algorithms developed to predict the effect of missense changes on protein structure and function output the following: SIFT: "Tolerated"; PolyPhen-2: "Benign"; Align-GVGD: "Class C0". The cysteine amino acid residue is found in multiple mammalian species, which suggests that this missense change does not adversely affect protein function. In summary, the available evidence is currently insufficient to determine the role of this variant in disease. Therefore, it has been classified as a Variant of Uncertain Significance.

NM_018418.5(SPATA7):c.932A>G (p.Tyr311Cys)

Gene: SPATA7 (spermatogenesis associated 7; plus strand). Cytogenetic location: 14q31.3.
Variant type: single nucleotide variant.
Coding change: c.932A>G on transcript NM_018418.5 (MANE Select); coding-DNA position 932, A replaced by G.
Protein change: p.Tyr311Cys; replaces tyrosine 311 with cysteine.
Molecular consequence: missense variant.
Genome position (GRCh38, 1-based): chr14:88,429,367, A>G. VCF-style: chr14-88429367-A-G. GRCh37 (hg19) VCF-style: chr14-88895711-A-G.
Other names: c.836A>G, p.Tyr279Cys (NM_001040428.4); short protein forms Y311C, Y279C.
Identifiers: ClinVar variation 844840 (VCV000844840.7), dbSNP rs140107720, ClinGen allele CA7298654.
Genomic context (GRCh38, chr14:88,429,367, plus strand): 5'-TTTTTAAGCAAAAATAAATATTTTTTTTATTGCATCCCCAGGCATCTAATTGTGTGACAT[A>G]TGATGCCAAAGAAAAAATAGCTCCTTTACCTTTAGAAGGGCATGACTCAACATGGGATGA-3'
Protein context (NP_060888.2, residues 301-321): NIKQASNCVT[Tyr311Cys]DAKEKIAPLP